The following is an entry in ClinVar:

ClinVar aggregate classification (germline): Uncertain significance (1 of 4 stars; one submission).

Submission:

GeneDx
Classification: Uncertain significance. Last evaluated: 2024-07-11. Review status: criteria provided, single submitter. Criteria: GeneDx Variant Classification Process June 2021. Collection method: clinical testing. Allele origin: germline. Affected: yes.
Comment: Not observed at significant frequency in large population cohorts (gnomAD); In silico analysis supports that this missense variant has a deleterious effect on protein structure/function; Has not been previously published as pathogenic or benign to our knowledge

NM_001003694.2(BRPF1):c.335T>G (p.Ile112Ser)

Gene: BRPF1 (bromodomain and PHD finger containing 1; plus strand). Cytogenetic location: 3p25.3.
Variant type: single nucleotide variant.
Coding change: c.335T>G on transcript NM_001003694.2 (MANE Select); coding-DNA position 335, T replaced by G.
Protein change: p.Ile112Ser; replaces isoleucine 112 with serine.
Molecular consequence: missense variant. On other transcripts: non-coding transcript variant (1).
Genome position (GRCh38, 1-based): chr3:9,734,475, T>G. VCF-style: chr3-9734475-T-G. GRCh37 (hg19) VCF-style: chr3-9776159-T-G.
Other names: c.335T>G, p.Ile112Ser (NM_001319049.2, NM_001319050.2, NM_001410704.1 and 1 more transcripts); short protein forms I112S.
Identifiers: ClinVar variation 3572805 (VCV003572805.1).